The following is an entry in ClinVar:

ClinVar aggregate classification (germline): Uncertain significance. Review status: criteria provided, multiple submitters, no conflicts (2 of 4 stars). 2 submissions from 2 submitters: Uncertain significance (2). Last evaluated 2025-12-01.

Conditions:
Inborn genetic diseases. Identifiers: MedGen C0950123, MeSH D030342.

gnomAD v4.1: 167 of 1,613,830 alleles (0.01%); highest among the groups gnomAD compares: Non-Finnish European, 0.014%; no homozygotes.

Submissions (2):

CeGaT Center for Human Genetics Tuebingen
Classification: Uncertain significance. Last evaluated: 2025-12-01. Review status: criteria provided, single submitter. Criteria: CeGaT Center For Human Genetics Tuebingen Variant Classification Criteria Version 2. Collection method: clinical testing. Allele origin: germline. Affected: yes. Observed: 1 variant allele.
Comment: MYO15A: PM2

Ambry Genetics
Classification: Uncertain significance for Inborn genetic diseases. Last evaluated: 2024-07-30. Review status: criteria provided, single submitter. Criteria: Ambry Variant Classification Scheme 2023. Collection method: clinical testing. Allele origin: germline.

NM_016239.4(MYO15A):c.7204G>A (p.Gly2402Arg)

Gene: MYO15A (myosin XVA; plus strand). Cytogenetic location: 17p11.2.
Variant type: single nucleotide variant.
Coding change: c.7204G>A on transcript NM_016239.4 (MANE Select); coding-DNA position 7204, G replaced by A.
Protein change: p.Gly2402Arg; replaces glycine 2402 with arginine.
Molecular consequence: missense variant.
Genome position (GRCh38, 1-based): chr17:18,149,572, G>A. VCF-style: chr17-18149572-G-A. GRCh37 (hg19) VCF-style: chr17-18052886-G-A.
Other names: short protein forms G2402R.
Identifiers: ClinVar variation 3401231 (VCV003401231.6).